The following is an entry in ClinVar:

NM_001458.5(FLNC):c.1948C>T (p.Arg650Ter)

Gene: FLNC (filamin C; plus strand). Cytogenetic location: 7q32.1.
Variant type: single nucleotide variant.
Coding change: c.1948C>T on transcript NM_001458.5 (MANE Select); coding-DNA position 1948, C replaced by T.
Protein change: p.Arg650Ter; replaces arginine 650 with a stop codon.
Molecular consequence: nonsense.
Genome position (GRCh38, 1-based): chr7:128,841,304, C>T. VCF-style: chr7-128841304-C-T. GRCh37 (hg19) VCF-style: chr7-128481358-C-T.
Other names: c.1948C>T, p.Arg650Ter (NM_001127487.2); short protein forms R650*.
Identifiers: ClinVar variation 421215 (VCV000421215.22), dbSNP rs770606675, ClinGen allele CA16618351.
Genomic context (GRCh38, chr7:128,841,304, plus strand): 5'-TACTGGCCCACGGAGCCTGGGGAGTACGCTGTGCACGTCATCTGTGACGATGAGGACATC[C>T]GAGACTCACCCTTCATTGCCCACATCCTGCCCGCCCCACCTGACTGCTTCCCAGATAAGG-3'

ClinVar aggregate classification (germline): Pathogenic. Review status: criteria provided, multiple submitters, no conflicts (2 of 4 stars). 8 submissions from 8 submitters: Pathogenic (4). 4 of the submissions do not count toward it. Last evaluated 2025-09-08.

Conditions:
Myofibrillar myopathy 5. Also called: Filaminopathy (type); FILAMINOPATHY, AUTOSOMAL DOMINANT. Identifiers: Orphanet 171445, MedGen C1836050, MONDO:0012289, OMIM 609524.
Distal myopathy with posterior leg and anterior hand involvement. Also called: WILLIAMS DISTAL MYOPATHY. Identifiers: Orphanet 63273, MedGen C3279722, MONDO:0013550, OMIM 614065.
Hypertrophic cardiomyopathy 26. Also called: Cardiomyopathy, familial hypertrophic, 26. Identifiers: Orphanet 75249, MedGen C4310749, MONDO:0014883, OMIM 617047.
Cardiovascular phenotype. Identifiers: MedGen CN230736.

Allele frequency attached by ClinVar (database versions not stated): TOPMed below 0.00001.
gnomAD v4.1: 5 of 1,614,086 alleles (0.00031%); highest among the groups gnomAD compares: East Asian, 0.0022%; no homozygotes.

Submissions (8):

Labcorp Genetics (formerly Invitae), Labcorp
Classification: Pathogenic for Distal myopathy with posterior leg and anterior hand involvement; Myofibrillar myopathy 5; Hypertrophic cardiomyopathy 26. Last evaluated: 2025-09-08. Review status: criteria provided, single submitter. Criteria: Invitae Variant Classification Sherloc (09022015). Collection method: clinical testing. Allele origin: germline.
Comment: This sequence change creates a premature translational stop signal (p.Arg650*) in the FLNC gene. It is expected to result in an absent or disrupted protein product. Loss-of-function variants in FLNC are known to be pathogenic (PMID: 27908349). This variant is not present in population databases (gnomAD no frequency). This variant has not been reported in the literature in individuals affected with FLNC-related conditions. ClinVar contains an entry for this variant (Variation ID: 421215). For these reasons, this variant has been classified as Pathogenic.

GeneDx
Classification: Pathogenic. Last evaluated: 2025-03-10. Review status: criteria provided, single submitter. Criteria: GeneDx Variant Classification Process June 2021. Collection method: clinical testing. Allele origin: germline. Affected: yes.
Comment: Identified in patients with DCM referred for genetic testing at GeneDx and in published literature (PMID: 32160020, 36472615); Nonsense variant predicted to result in protein truncation or nonsense mediated decay in a gene for which loss of function is a known mechanism of disease; Not observed at significant frequency in large population cohorts (gnomAD); This variant is associated with the following publications: (PMID: 26899768, 15929027, 32112656, 36264615, 34312540, 37461109, 32160020, 36472615)

Clinical Genomics Laboratory, Washington University in St. Louis
Classification: Pathogenic. Last evaluated: 2024-11-19. Review status: criteria provided, single submitter. Criteria: ACMG Guidelines, 2015. Collection method: clinical testing. Allele origin: germline. Affected: yes.
Comment: An FLNC c.1948C>T (p.Arg650*) variant was identified in a heterozygous state. It has been reported in several individuals affected with cardiomyopathy (Bueno Marinas M et al., PMID: 38892455; Mohananey A et al., PMID: 36472615; Ohiri JC et al., PMID: 38761081). The FLNC c.1948C>T (p.Arg650*) variant has been reported in the ClinVar database as pathogenic by multiple submitters (ClinVar Variation ID: 4212150). This variant is absent from the general population (gnomAD v.2.1.1), indicating it is not a common variant. The FLNC c.1948C>T (p.Arg650*) variant causes premature termination, which is predicted to lead to nonsense-mediated decay. Based on available information and based on ACMG/AMP guidelines for variant interpretation (Richards S et al, PMID: 2741868), the FLNC c.1948C>T (p.Arg650*) variant is classified as pathogenic.

Ambry Genetics
Classification: Pathogenic for Cardiovascular phenotype. Last evaluated: 2024-04-23. Review status: criteria provided, single submitter. Criteria: Ambry Variant Classification Scheme 2023. Collection method: clinical testing. Allele origin: germline.
Comment: The p.R650* pathogenic mutation (also known as c.1948C>T), located in coding exon 12 of the FLNC gene, results from a C to T substitution at nucleotide position 1948. This changes the amino acid from an arginine to a stop codon within coding exon 12. This alteration has been reported in dilated cardiomyopathy (DCM) cohorts (Bourfiss M et al. Circ Genom Precis Med, 2022 Dec;15:e003704; Lian H et al. J Transl Med, 2023 Jul;21:476). In addition to the clinical data presented in the literature, this alteration is expected to result in loss of function by premature protein truncation or nonsense-mediated mRNA decay. As such, this alteration is interpreted as a disease-causing mutation for FLNC-related DCM; however, its clinical significance for FLNC-related hypertrophy/restrictive cardiomyopathy and/or skeletal myopathy is uncertain.

Clinical Genetics DNA and cytogenetics Diagnostics Lab, Erasmus MC, Erasmus Medical Center
Classification: Likely pathogenic. Review status: no assertion criteria provided. Collection method: clinical testing. Allele origin: germline. Affected: yes. Study: VKGL Data-share Consensus. Not counted in ClinVar's aggregate classification.

Clinical Genetics, Academic Medical Center
Classification: Pathogenic. Review status: no assertion criteria provided. Collection method: clinical testing. Allele origin: germline. Affected: yes. Study: VKGL Data-share Consensus. Not counted in ClinVar's aggregate classification.

Diagnostic Laboratory, Department of Genetics, University Medical Center Groningen
Classification: Pathogenic. Review status: no assertion criteria provided. Collection method: clinical testing. Allele origin: germline. Affected: yes. Study: VKGL Data-share Consensus. Not counted in ClinVar's aggregate classification.

Genome Diagnostics Laboratory, University Medical Center Utrecht
Classification: Pathogenic. Review status: no assertion criteria provided. Collection method: clinical testing. Allele origin: germline. Affected: yes. Study: VKGL Data-share Consensus. Not counted in ClinVar's aggregate classification.

Literature cited by the submitters: PubMed 27908349 (cited by Labcorp Genetics (formerly Invitae), Labcorp); PubMed 36264615 (cited by Ambry Genetics); PubMed 37461109 (cited by Ambry Genetics).